The following is an entry in ClinVar:

ClinVar aggregate classification (germline): Uncertain significance. Review status: criteria provided, multiple submitters, no conflicts (2 of 4 stars). 2 submissions from 2 submitters: Uncertain significance (2). Last evaluated 2022-06-15.

Conditions:
Hereditary cancer-predisposing syndrome. Also called: Neoplastic Syndromes, Hereditary; Tumor predisposition; Hereditary Cancer Syndrome; Hereditary neoplastic syndrome. Identifiers: Orphanet 140162, MedGen C0027672, MeSH D009386, MONDO:0015356.

Submissions (2):

Ambry Genetics
Classification: Uncertain significance for Hereditary cancer-predisposing syndrome. Last evaluated: 2022-06-15. Review status: criteria provided, single submitter. Criteria: Ambry Variant Classification Scheme 2023. Collection method: clinical testing. Allele origin: germline.
Comment: The p.S2601R variant (also known as c.7803T>G), located in coding exon 15 of the APC gene, results from a T to G substitution at nucleotide position 7803. The serine at codon 2601 is replaced by arginine, an amino acid with dissimilar properties. This amino acid position is poorly conserved in available vertebrate species. In addition, in silico predictors for this gene do not accurately predict pathogenicity. Since supporting evidence is limited at this time, the clinical significance of this alteration remains unclear.

Women's Health and Genetics/Laboratory Corporation of America, LabCorp
Classification: Uncertain significance. Last evaluated: 2022-02-24. Review status: criteria provided, single submitter. Criteria: LabCorp Variant Classification Summary - May 2015. Collection method: clinical testing. Allele origin: germline.
Comment: Variant summary: APC c.7803T>G (p.Ser2601Arg) results in a non-conservative amino acid change in the encoded protein sequence. Four of five in-silico tools predict a benign effect of the variant on protein function. The variant was absent in 250266 control chromosomes. The available data on variant occurrences in the general population are insufficient to allow any conclusion about variant significance. To our knowledge, no occurrence of c.7803T>G in individuals affected with Familial Adenomatous Polyposis and no experimental evidence demonstrating its impact on protein function have been reported. No clinical diagnostic laboratories have submitted clinical-significance assessments for this variant to ClinVar after 2014. Based on the evidence outlined above, the variant was classified as uncertain significance.

NM_000038.6(APC):c.7803T>G (p.Ser2601Arg)

Gene: APC (APC regulator of Wnt signaling pathway; plus strand). Cytogenetic location: 5q22.2.
Variant type: single nucleotide variant.
Coding change: c.7803T>G on transcript NM_000038.6 (MANE Select); coding-DNA position 7803, T replaced by G.
Protein change: p.Ser2601Arg; replaces serine 2601 with arginine.
Molecular consequence: missense variant.
Genome position (GRCh38, 1-based): chr5:112,843,397, T>G. VCF-style: chr5-112843397-T-G. GRCh37 (hg19) VCF-style: chr5-112179094-T-G.
Other names: c.7803T>G, p.Ser2601Arg (NM_001127510.3, NM_001354895.2); c.7749T>G, p.Ser2583Arg (NM_001127511.3); c.7857T>G, p.Ser2619Arg (NM_001354896.2); c.7833T>G, p.Ser2611Arg (NM_001354897.2); c.7728T>G, p.Ser2576Arg (NM_001354898.2); c.7719T>G, p.Ser2573Arg (NM_001354899.2); c.7680T>G, p.Ser2560Arg (NM_001354900.2); c.7626T>G, p.Ser2542Arg (NM_001354901.2); and 5 more; short protein forms S2318R, S2441R, S2475R, S2500R, S2510R, S2542R, S2560R, S2573R.
Identifiers: ClinVar variation 1343462 (VCV001343462.3), dbSNP rs2149994136, ClinGen allele CA16038281.
Genomic context (GRCh38, chr5:112,843,397, plus strand): 5'-TGAAAAAGCAAAAAGTGAGGATGAAAAACATGTGAACTCTATTTCAGGAACCAAACAAAG[T>G]AAAGAAAACCAAGTATCCGCAAAAGGAACATGGAGAAAAATAAAAGAAAATGAATTTTCT-3'
Protein context (NP_000029.2, residues 2591-2611): HVNSISGTKQ[Ser2601Arg]KENQVSAKGT